The following is an entry in ClinVar:

NM_004994.3(MMP9):c.326C>T (p.Thr109Ile)

Gene: MMP9 (matrix metallopeptidase 9; plus strand). Cytogenetic location: 20q13.12.
Variant type: single nucleotide variant.
Coding change: c.326C>T on transcript NM_004994.3 (MANE Select); coding-DNA position 326, C replaced by T.
Protein change: p.Thr109Ile; replaces threonine 109 with isoleucine.
Molecular consequence: missense variant.
Genome position (GRCh38, 1-based): chr20:46,010,053, C>T. VCF-style: chr20-46010053-C-T. GRCh37 (hg19) VCF-style: chr20-44638692-C-T.
Other names: c.326C>T (NM_004994.2); short protein forms T109I.
Identifiers: ClinVar variation 1503426 (VCV001503426.9), dbSNP rs200316960, ClinGen allele CA315634062.
Genomic context (GRCh38, chr20:46,010,053, plus strand): 5'-CCACGCTGAAGGCCATGCGAACCCCACGGTGCGGGGTCCCAGACCTGGGCAGATTCCAAA[C>T]CTTTGAGGGCGACCTCAAGTGGCACCACCACAACATCACCTATTGGTGAGCCGGGGCCGT-3'
Protein context (NP_004985.2, residues 99-119): CGVPDLGRFQ[Thr109Ile]FEGDLKWHHH

ClinVar aggregate classification (germline): Uncertain significance. Review status: criteria provided, multiple submitters, no conflicts (2 of 4 stars). 2 submissions from 2 submitters: Uncertain significance (2). Last evaluated 2025-11-21.

Allele frequency attached by ClinVar (database versions not stated): gnomAD exomes 0.00001; gnomAD 0.00003; TOPMed 0.00005.
gnomAD v4.1: 103 of 1,550,896 alleles (0.0066%); highest among the groups gnomAD compares: Non-Finnish European, 0.0088%; no homozygotes.

Submissions (2):

Labcorp Genetics (formerly Invitae), Labcorp
Classification: Uncertain significance. Last evaluated: 2025-11-21. Review status: criteria provided, single submitter. Criteria: Invitae Variant Classification Sherloc (09022015). Collection method: clinical testing. Allele origin: germline.
Comment: This sequence change replaces threonine, which is neutral and polar, with isoleucine, which is neutral and non-polar, at codon 109 of the MMP9 protein (p.Thr109Ile). The frequency data for this variant in the population databases is considered unreliable, as metrics indicate poor data quality at this position in the gnomAD database. This variant has not been reported in the literature in individuals affected with MMP9-related conditions. ClinVar contains an entry for this variant (Variation ID: 1503426). Invitae Evidence Modeling of protein sequence and biophysical properties (such as structural, functional, and spatial information, amino acid conservation, physicochemical variation, residue mobility, and thermodynamic stability) indicates that this missense variant is not expected to disrupt MMP9 protein function with a negative predictive value of 80%. In summary, the available evidence is currently insufficient to determine the role of this variant in disease. Therefore, it has been classified as a Variant of Uncertain Significance.

Ambry Genetics
Classification: Uncertain significance. Last evaluated: 2025-07-31. Review status: criteria provided, single submitter. Criteria: Ambry Variant Classification Scheme 2023. Collection method: clinical testing. Allele origin: germline.